The following is an entry in ClinVar:

NM_002541.4(OGDH):c.3051C>T (p.Asp1017=)

Gene: OGDH (oxoglutarate dehydrogenase; plus strand). Cytogenetic location: 7p13.
Variant type: single nucleotide variant.
Coding change: c.3051C>T on transcript NM_002541.4 (MANE Select); coding-DNA position 3051, C replaced by T.
Protein change: p.Asp1017=; no amino-acid change (aspartic acid 1017 retained).
Molecular consequence: synonymous variant.
Genome position (GRCh38, 1-based): chr7:44,707,978, C>T. VCF-style: chr7-44707978-C-T. GRCh37 (hg19) VCF-style: chr7-44747577-C-T.
Other names: c.3039C>T, p.Asp1013= (NM_001165036.2); c.3084C>T, p.Asp1028= (NM_001363523.2).
Identifiers: ClinVar variation 784636 (VCV000784636.9), dbSNP rs199595163, ClinGen allele CA4244290.

ClinVar aggregate classification (germline): Benign/Likely benign. Review status: criteria provided, multiple submitters, no conflicts (2 of 4 stars). 2 submissions from 2 submitters: Benign (1); Likely benign (1). Last evaluated 2026-08-01.

Conditions:
Oxoglutaricaciduria. Identifiers: Orphanet 31, MedGen C2752074, MONDO:0008759, OMIM 203740.

Allele frequency attached by ClinVar (database versions not stated): gnomAD 0.00007; gnomAD exomes 0.00007 and 0.00034; TOPMed 0.00016; 1000 Genomes Project 0.00020; 1000 Genomes Project 30x 0.00031; ExAC 0.00031.
gnomAD v4.1: 118 of 1,613,582 alleles (0.0073%); highest among the groups gnomAD compares: Admixed American, 0.17%; no homozygotes.

Submissions (2):

CeGaT Center for Human Genetics Tuebingen
Classification: Likely benign. Last evaluated: 2026-08-01. Review status: criteria provided, single submitter. Criteria: CeGaT Center For Human Genetics Tuebingen Variant Classification Criteria Version 2. Collection method: clinical testing. Allele origin: germline. Affected: yes. Observed: 1 variant allele.
Comment: OGDH: BP4, BP7

Labcorp Genetics (formerly Invitae), Labcorp
Classification: Benign for Oxoglutaricaciduria. Last evaluated: 2025-11-05. Review status: criteria provided, single submitter. Criteria: Invitae Variant Classification Sherloc (09022015). Collection method: clinical testing. Allele origin: germline.